The following is an entry in ClinVar:

ClinVar aggregate classification (germline): Uncertain significance. Review status: criteria provided, multiple submitters, no conflicts (2 of 4 stars). 2 submissions from 2 submitters: Uncertain significance (2). Last evaluated 2022-06-23.

Conditions:
Inborn genetic diseases. Identifiers: MedGen C0950123, MeSH D030342.

Allele frequency attached by ClinVar (database versions not stated): TOPMed below 0.00001; ExAC 0.00001; gnomAD exomes 0.00001.

Submissions (2):

Labcorp Genetics (formerly Invitae), Labcorp
Classification: Uncertain significance. Last evaluated: 2022-06-23. Review status: criteria provided, single submitter. Criteria: Invitae Variant Classification Sherloc (09022015). Collection method: clinical testing. Allele origin: germline.
Comment: This variant has not been reported in the literature in individuals affected with CUL7-related conditions. In summary, the available evidence is currently insufficient to determine the role of this variant in disease. Therefore, it has been classified as a Variant of Uncertain Significance. Algorithms developed to predict the effect of missense changes on protein structure and function are either unavailable or do not agree on the potential impact of this missense change (SIFT: "Tolerated"; PolyPhen-2: "Possibly Damaging"; Align-GVGD: "Class C0"). This variant is present in population databases (rs772041129, gnomAD 0.01%). This sequence change replaces serine, which is neutral and polar, with asparagine, which is neutral and polar, at codon 1137 of the CUL7 protein (p.Ser1137Asn).

Ambry Genetics
Classification: Uncertain significance for Inborn genetic diseases. Last evaluated: 2021-08-17. Review status: criteria provided, single submitter. Criteria: Ambry Variant Classification Scheme 2023. Collection method: clinical testing. Allele origin: germline.

NM_014780.5(CUL7):c.3410G>A (p.Ser1137Asn)

Gene: CUL7 (cullin 7; minus strand). Cytogenetic location: 6p21.1.
Variant type: single nucleotide variant.
Coding change: c.3410G>A on transcript NM_014780.5 (MANE Select); coding-DNA position 3410, G replaced by A.
Protein change: p.Ser1137Asn; replaces serine 1137 with asparagine.
Molecular consequence: missense variant.
Genome position (GRCh38, 1-based): chr6:43,043,126, C>T on the plus strand (G>A on the coding strand, the complement: CUL7 is on the minus strand). VCF-style: chr6-43043126-C-T. GRCh37 (hg19) VCF-style: chr6-43010864-C-T.
Other names: c.3506G>A, p.Ser1169Asn (NM_001168370.2, NM_001374872.1); c.3410G>A, p.Ser1137Asn (NM_001374873.1); c.3407G>A, p.Ser1136Asn (NM_001374874.1); short protein forms S1169N, S1136N, S1137N.
Identifiers: ClinVar variation 1934503 (VCV001934503.6), dbSNP rs772041129, ClinGen allele CA3813497.